The following is an entry in ClinVar:

NM_000520.6(HEXA):c.258del (p.Lys86fs)

Gene: HEXA (hexosaminidase subunit alpha; minus strand). Cytogenetic location: 15q23.
Variant type: Deletion.
Coding change: c.258del on transcript NM_000520.6 (MANE Select); coding-DNA position 258, one base deleted (A; older notation c.258delA).
Protein change: p.Lys86fs; shifts the reading frame from lysine 86.
Molecular consequence: frameshift variant. On other transcripts: non-coding transcript variant (1).
Genome position (GRCh38, 1-based): chr15:72,356,613, T deleted on the plus strand (A on the coding strand, the reverse complement: HEXA is on the minus strand); the first of 3 consecutive T bases (chr15:72,356,613-72,356,615); deleting any one gives the same sequence. VCF-style (leftmost placement, unchanged base first): chr15-72356612-GT-G. GRCh37 (hg19) VCF-style: chr15-72648953-GT-G.
Other names: c.291del, p.Lys97fs (NM_001318825.2); short protein forms K86fs, K97fs.
Identifiers: ClinVar variation 4814257 (VCV004814257.1).

ClinVar aggregate classification (germline): Likely pathogenic (1 of 4 stars; one submission).

Conditions:
Tay-Sachs disease (TSD). Also called: HEXA DEFICIENCY; HEXA Disorders; GM2 gangliosidosis, type 1; Hexosaminidase alpha-subunit deficiency (variant B); Sphingolipidosis, Tay-Sachs; Hexosaminidase A Deficiency. Identifiers: Orphanet 845, MedGen C0039373, MONDO:0010100, OMIM 272800.

Submission:

Natera, Inc.
Classification: Likely pathogenic for Tay-Sachs disease. Last evaluated: 2025-07-07. Review status: criteria provided, single submitter. Criteria: Natera Variant Classification Schema (03/2026). Collection method: clinical testing. Allele origin: germline.
Comment: The c.258del variant in HEXA is a frameshift variant predicted to shift the reading frame beginning at codon 86 and leads to a stop codon 14 codons downstream. This variant is expected to result in nonsense mediated decay, truncation, or a dysfunctional protein product. This variant is rare in the general population with a frequency below the threshold expected for the associated phenotype(s). Given the available evidence, this variant is classified as Likely Pathogenic.